The following is an entry in ClinVar:

NM_182961.4(SYNE1):c.21523-174C>A

Genes: SYNE1 (spectrin repeat containing nuclear envelope protein 1; minus strand), LOC126859836 (MED14-independent group 3 enhancer GRCh37_chr6:152542272-152543471; plus strand). Cytogenetic location: 6q25.2.
Variant type: single nucleotide variant.
Coding change: c.21523-174C>A on transcript NM_182961.4 (MANE Select); 174 bases into the intron before coding-DNA position 21523, C replaced by A.
Molecular consequence: intron variant.
Genome position (GRCh38, 1-based): chr6:152,221,733, G>T on the plus strand (C>A on the coding strand, the complement: SYNE1 is on the minus strand). VCF-style: chr6-152221733-G-T. GRCh37 (hg19) VCF-style: chr6-152542868-G-T.
Other names: c.21310-174C>A (NM_033071.5).
Identifiers: ClinVar variation 670201 (VCV000670201.1), dbSNP rs9397493, ClinGen allele CA15433976.

ClinVar aggregate classification (germline): Benign (1 of 4 stars; one submission).

Allele frequency attached by ClinVar (database versions not stated): gnomAD 0.48429 and 0.49012; TOPMed 0.49205; 1000 Genomes Project 0.57788; 1000 Genomes Project 30x 0.57839.
gnomAD v4.1: 74,388 of 152,036 alleles (49%); highest among the groups gnomAD compares: East Asian, 74%; 18,755 homozygotes.

Submission:

GeneDx
Classification: Benign. Last evaluated: 2018-06-14. Review status: criteria provided, single submitter. Criteria: GeneDx Variant Classification (06012015). Collection method: clinical testing. Allele origin: germline. Affected: yes.
Comment: This variant is considered likely benign or benign based on one or more of the following criteria: it is a conservative change, it occurs at a poorly conserved position in the protein, it is predicted to be benign by multiple in silico algorithms, and/or has population frequency not consistent with disease.